The following is an entry in ClinVar:

ClinVar aggregate classification (germline): Uncertain significance (1 of 4 stars; one submission).

Allele frequency attached by ClinVar (database versions not stated): gnomAD 0.00001; TOPMed 0.00001; ExAC 0.00002; gnomAD exomes 0.00002.
gnomAD v4.1: 95 of 1,613,954 alleles (0.0059%); highest among the groups gnomAD compares: Middle Eastern, 0.017%; no homozygotes.

Submission:

Labcorp Genetics (formerly Invitae), Labcorp
Classification: Uncertain significance. Last evaluated: 2025-09-15. Review status: criteria provided, single submitter. Criteria: Invitae Variant Classification Sherloc (09022015). Collection method: clinical testing. Allele origin: germline.
Comment: This sequence change replaces arginine, which is basic and polar, with tryptophan, which is neutral and slightly polar, at codon 496 of the C1S protein (p.Arg496Trp). The frequency data for this variant in the population databases is considered unreliable, as metrics indicate poor data quality at this position in the gnomAD database. This variant has not been reported in the literature in individuals affected with C1S-related conditions. ClinVar contains an entry for this variant (Variation ID: 1428187). An algorithm developed to predict the effect of missense changes on protein structure and function (PolyPhen-2) suggests that this variant is likely to be disruptive. In summary, the available evidence is currently insufficient to determine the role of this variant in disease. Therefore, it has been classified as a Variant of Uncertain Significance.

NM_001734.5(C1S):c.1486C>T (p.Arg496Trp)

Gene: C1S (complement C1s; plus strand). Cytogenetic location: 12p13.31.
Variant type: single nucleotide variant.
Coding change: c.1486C>T on transcript NM_001734.5 (MANE Select); coding-DNA position 1486, C replaced by T.
Protein change: p.Arg496Trp; replaces arginine 496 with tryptophan.
Molecular consequence: missense variant.
Genome position (GRCh38, 1-based): chr12:7,070,070, C>T. VCF-style: chr12-7070070-C-T. GRCh37 (hg19) VCF-style: chr12-7177374-C-T.
Other names: c.985C>T, p.Arg329Trp (NM_001346850.2); c.1486C>T, p.Arg496Trp (NM_201442.4); short protein forms R329W, R496W.
Identifiers: ClinVar variation 1428187 (VCV001428187.6), dbSNP rs782400903, ClinGen allele CA6423797.